The following is an entry in ClinVar:

NM_015046.7(SETX):c.7945G>A (p.Glu2649Lys)

Gene: SETX (senataxin; minus strand). Cytogenetic location: 9q34.13.
Variant type: single nucleotide variant.
Coding change: c.7945G>A on transcript NM_015046.7 (MANE Select); coding-DNA position 7945, G replaced by A.
Protein change: p.Glu2649Lys; replaces glutamic acid 2649 with lysine.
Molecular consequence: missense variant.
Genome position (GRCh38, 1-based): chr9:132,264,328, C>T on the plus strand (G>A on the coding strand, the complement: SETX is on the minus strand). VCF-style: chr9-132264328-C-T. GRCh37 (hg19) VCF-style: chr9-135139715-C-T.
Other names: c.7945G>A, p.Glu2649Lys (NM_001351527.2); c.8032G>A, p.Glu2678Lys (NM_001351528.2); short protein forms E2649K, E2678K.
Identifiers: ClinVar variation 1761338 (VCV001761338.4), dbSNP rs1468917148, ClinGen allele CA375320983.

ClinVar aggregate classification (germline): Uncertain significance. Review status: criteria provided, multiple submitters, no conflicts (2 of 4 stars). 2 submissions from 2 submitters: Uncertain significance (2). Last evaluated 2024-06-24.

Conditions:
Inborn genetic diseases. Identifiers: MedGen C0950123, MeSH D030342.
Spinocerebellar ataxia, autosomal recessive, with axonal neuropathy 2 (SCAN2). Also called: ATAXIA-OCULOMOTOR APRAXIA 2; Ataxia with Oculomotor Apraxia; Ataxia-ocular apraxia-2; Ataxia with Oculomotor Apraxia Type 2. Identifiers: Orphanet 64753, MedGen C1853761, MONDO:0018996, OMIM 606002.
Amyotrophic lateral sclerosis type 4 (ALS4). Also called: NEURONOPATHY, DISTAL HEREDITARY MOTOR, WITH PYRAMIDAL FEATURES; AMYOTROPHIC LATERAL SCLEROSIS 4, JUVENILE. Identifiers: Orphanet 357043, MedGen C1865409, MONDO:0011223, OMIM 602433.

Allele frequency attached by ClinVar (database versions not stated): gnomAD exomes below 0.00001; TOPMed below 0.00001.
gnomAD v4.1: 1 of 1,614,164 alleles (0.000062%); highest among the groups gnomAD compares: Non-Finnish European, 0.000085%; no homozygotes.

Submissions (2):

Labcorp Genetics (formerly Invitae), Labcorp
Classification: Uncertain significance for Amyotrophic lateral sclerosis type 4; Spinocerebellar ataxia, autosomal recessive, with axonal neuropathy 2. Last evaluated: 2024-06-24. Review status: criteria provided, single submitter. Criteria: Invitae Variant Classification Sherloc (09022015). Collection method: clinical testing. Allele origin: germline.
Comment: This sequence change replaces glutamic acid, which is acidic and polar, with lysine, which is basic and polar, at codon 2649 of the SETX protein (p.Glu2649Lys). This variant is not present in population databases (gnomAD no frequency). This variant has not been reported in the literature in individuals affected with SETX-related conditions. ClinVar contains an entry for this variant (Variation ID: 1761338). Advanced modeling of protein sequence and biophysical properties (such as structural, functional, and spatial information, amino acid conservation, physicochemical variation, residue mobility, and thermodynamic stability) performed at Invitae indicates that this missense variant is not expected to disrupt SETX protein function with a negative predictive value of 95%. In summary, the available evidence is currently insufficient to determine the role of this variant in disease. Therefore, it has been classified as a Variant of Uncertain Significance.

Ambry Genetics
Classification: Uncertain significance for Inborn genetic diseases. Last evaluated: 2020-08-19. Review status: criteria provided, single submitter. Criteria: Ambry Variant Classification Scheme 2023. Collection method: clinical testing. Allele origin: germline.
Comment: The p.E2649K variant (also known as c.7945G>A), located in coding exon 24 of the SETX gene, results from a G to A substitution at nucleotide position 7945. The glutamic acid at codon 2649 is replaced by lysine, an amino acid with similar properties. This amino acid position is poorly conserved in available vertebrate species. In addition, this alteration is predicted to be tolerated by in silico analysis. Since supporting evidence is limited at this time, the clinical significance of this alteration remains unclear.